The following is an entry in ClinVar:

ClinVar aggregate classification (germline): Benign/Likely benign. Review status: criteria provided, multiple submitters, no conflicts (2 of 4 stars). 11 submissions from 11 submitters: Benign (5); Likely benign (3). 3 of the submissions do not count toward it. Last evaluated 2026-02-01.

Conditions:
Tyrosinemia type I (TYRSN1). Also called: Tyrosinemia type 1; Fumarylacetoacetase deficiency; HEPATORENAL TYROSINEMIA; Deficiency of fumarylacetoacetase; FAH DEFICIENCY. Identifiers: Orphanet 882, MedGen C0268490, MONDO:0010161, OMIM 276700. Disease mechanism: loss of function.

Allele frequency attached by ClinVar (database versions not stated): 1000 Genomes Project 0.00280; 1000 Genomes Project 30x 0.00297; gnomAD 0.00517 and 0.00521; ESP Exome Variant Server 0.00538; TOPMed 0.00563; ExAC 0.00638; gnomAD exomes 0.00643 and 0.00725.
gnomAD v4.1: 11,457 of 1,614,108 alleles (0.71%); highest among the groups gnomAD compares: Middle Eastern, 2.4%; 55 homozygotes.

Submissions (11):

Labcorp Genetics (formerly Invitae), Labcorp
Classification: Benign for Tyrosinemia type I. Last evaluated: 2026-02-01. Review status: criteria provided, single submitter. Criteria: Invitae Variant Classification Sherloc (09022015). Collection method: clinical testing. Allele origin: germline.

Mayo Clinic Laboratories, Mayo Clinic
Classification: Benign. Last evaluated: 2022-09-01. Review status: criteria provided, single submitter. Criteria: ACMG Guidelines, 2015. Collection method: clinical testing. Allele origin: germline. Observed: 9 variant alleles.
Comment: BA1, BP4, BP7

Fulgent Genetics
Classification: Likely benign for Tyrosinemia type I. Last evaluated: 2021-08-11. Review status: criteria provided, single submitter. Criteria: ACMG Guidelines, 2015. Collection method: clinical testing. Allele origin: unknown.

Genome-Nilou Lab
Classification: Benign for Tyrosinemia type I. Last evaluated: 2021-07-01. Review status: criteria provided, single submitter. Criteria: ACMG Guidelines, 2015. Collection method: clinical testing. Allele origin: germline. Affected: no.

Women's Health and Genetics/Laboratory Corporation of America, LabCorp
Classification: Benign. Last evaluated: 2019-05-13. Review status: criteria provided, single submitter. Criteria: LabCorp Variant Classification Summary - May 2015. Collection method: clinical testing. Allele origin: germline.
Comment: Variant summary: FAH c.315-14G>A alters a non-conserved nucleotide located close to a canonical splice site and therefore could affect mRNA splicing, leading to a significantly altered protein sequence. 5/5 computational tools predict no significant impact on normal splicing. However, these predictions have yet to be confirmed by functional studies. The variant allele was found at a frequency of 0.0064 in 251478 control chromosomes in the gnomAD database, including 11 homozygotes. The observed variant frequency is approximately 3-folds higher than the estimated maximal expected allele frequency for a pathogenic variant in FAH causing Tyrosinemia Type 1 phenotype (0.0025), strongly suggesting that the variant is benign. To our knowledge, no occurrence of c.315-14G>A in individuals affected with Tyrosinemia Type 1 and no experimental evidence demonstrating its impact on protein function have been reported. A ClinVar submission from a clinical diagnostic laboratory (evaluation after 2014) cites the variant as benign. Based on the evidence outlined above, the variant was classified as benign.

Illumina Laboratory Services, Illumina
Classification: Likely benign for Tyrosinemia type I. Last evaluated: 2018-01-13. Review status: criteria provided, single submitter. Criteria: ICSL Variant Classification Criteria 13 December 2019. Collection method: clinical testing. Allele origin: germline.
Comment: This variant was observed in the ICSL laboratory as part of a predisposition screen in an ostensibly healthy population. It had not been previously curated by ICSL or reported in the Human Gene Mutation Database (HGMD: prior to June 1st, 2018), and was therefore a candidate for classification through an automated scoring system. Utilizing variant allele frequency, disease prevalence and penetrance estimates, and inheritance mode, an automated score was calculated to assess if this variant is too frequent to cause the disease. Based on the score and internal cut-off values, a variant classified as likely benign is not then subjected to further curation. The score for this variant resulted in a classification of likely benign for this disease.

GeneDx
Classification: Benign. Last evaluated: 2017-11-25. Review status: criteria provided, single submitter. Criteria: GeneDx Variant Classification (06012015). Collection method: clinical testing. Allele origin: germline. Affected: yes.
Comment: This variant is considered likely benign or benign based on one or more of the following criteria: it is a conservative change, it occurs at a poorly conserved position in the protein, it is predicted to be benign by multiple in silico algorithms, and/or has population frequency not consistent with disease.

Breakthrough Genomics
Classification: Likely benign. Review status: criteria provided, single submitter. Criteria: ACMG Guidelines, 2015. Collection method: not provided. Allele origin: germline. Inheritance: Autosomal recessive inheritance. Affected: yes.

Natera, Inc.
Classification: Benign for Tyrosinemia type I. Last evaluated: 2020-09-16. Review status: no assertion criteria provided. Collection method: clinical testing. Allele origin: germline. Not counted in ClinVar's aggregate classification.

Genome Diagnostics Laboratory, Amsterdam University Medical Center
Classification: Benign. Review status: no assertion criteria provided. Collection method: clinical testing. Allele origin: germline. Affected: yes. Study: VKGL Data-share Consensus. Not counted in ClinVar's aggregate classification.

Genome Diagnostics Laboratory, University Medical Center Utrecht
Classification: Benign. Review status: no assertion criteria provided. Collection method: clinical testing. Allele origin: germline. Affected: yes. Study: VKGL Data-share Consensus. Not counted in ClinVar's aggregate classification.

NM_000137.4(FAH):c.315-14G>A

Genes: FAH (fumarylacetoacetate hydrolase; plus strand), LOC112272621 (Sharpr-MPRA regulatory region 12283; plus strand). Cytogenetic location: 15q25.1.
Variant type: single nucleotide variant.
Coding change: c.315-14G>A on transcript NM_000137.4 (MANE Select); 14 bases into the intron before coding-DNA position 315, G replaced by A.
Molecular consequence: intron variant.
Genome position (GRCh38, 1-based): chr15:80,160,396, G>A. VCF-style: chr15-80160396-G-A. GRCh37 (hg19) VCF-style: chr15-80452738-G-A.
Other names: p.?; c.315-14G>A (NM_001374377.1, NM_001374380.1).
Identifiers: ClinVar variation 382389 (VCV000382389.23), dbSNP rs139830755, ClinGen allele CA7691099.
Genomic context (GRCh38, chr15:80,160,396, plus strand): 5'-TCTGGGCTGAGCCCGTGGGTGGGACCGCGCTTTGCTGCCTACTTGACTTTGAAGCCCCTG[G>A]TTCTGTGTTTCAGTGCATTCATCTCCCAGGCTTCTGCCACGATGCACCTTCCAGCCACCA-3'